The following is an entry in ClinVar:

ClinVar aggregate classification (germline): Pathogenic/Likely pathogenic. Review status: criteria provided, multiple submitters, no conflicts (2 of 4 stars). 2 submissions from 2 submitters: Pathogenic (1); Likely pathogenic (1). Last evaluated 2024-11-19.

Conditions:
Hereditary spastic paraplegia 15 (SPG15). Also called: KJELLIN SYNDROME; SPASTIC PARAPLEGIA AND RETINAL DEGENERATION; SPASTIC PARAPLEGIA 15, AUTOSOMAL RECESSIVE. Identifiers: Orphanet 100996, MedGen C1849128, MONDO:0010044, OMIM 270700.

gnomAD v4.1: 2 of 1,614,070 alleles (0.00012%); highest among the groups gnomAD compares: Non-Finnish European, 0.00017%; no homozygotes.

Submissions (2):

Myriad Genetics, Inc.
Classification: Pathogenic for Hereditary spastic paraplegia 15. Last evaluated: 2024-11-19. Review status: criteria provided, single submitter. Criteria: Myriad Autosomal Dominant, Autosomal Recessive and X-Linked Classification Criteria (2023). Collection method: clinical testing. Allele origin: unknown.
Comment: NM_015346.3(ZFYVE26):c.4697G>A(W1566*) is expected to be pathogenic in the context of spastic paraplegia type 15. This variant is predicted to lead to an abnormal or absent protein product due to the creation of a premature termination codon in ZFYVE26, a gene where loss-of-function variants are known to be pathogenic. Please note: this variant was assessed in the context of healthy population screening.

Juno Genomics, Hangzhou Juno Genomics, Inc
Classification: Likely pathogenic for Hereditary spastic paraplegia 15. Review status: criteria provided, single submitter. Criteria: ACMG Guidelines, 2015. Collection method: clinical testing. Allele origin: germline.
Comment: Absent from controls (or at extremely low frequency if recessive) in Genome Aggregation Database.;Null variant in a gene where loss of function (LOF) is a known mechanism of disease.

NM_015346.4(ZFYVE26):c.4697G>A (p.Trp1566Ter)

Gene: ZFYVE26 (zinc finger FYVE-type containing 26; minus strand). Cytogenetic location: 14q24.1.
Variant type: single nucleotide variant.
Coding change: c.4697G>A on transcript NM_015346.4 (MANE Select); coding-DNA position 4697, G replaced by A.
Protein change: p.Trp1566Ter; replaces tryptophan 1566 with a stop codon.
Molecular consequence: nonsense.
Genome position (GRCh38, 1-based): chr14:67,778,226, C>T on the plus strand (G>A on the coding strand, the complement: ZFYVE26 is on the minus strand). VCF-style: chr14-67778226-C-T. GRCh37 (hg19) VCF-style: chr14-68244943-C-T.
Other names: short protein forms W1566*.
Identifiers: ClinVar variation 5013769 (VCV005013769.3).